The following is an entry in ClinVar:

NM_006231.4(POLE):c.4018A>G (p.Ser1340Gly)

Gene: POLE (DNA polymerase epsilon, catalytic subunit; minus strand). Cytogenetic location: 12q24.33.
Variant type: single nucleotide variant.
Coding change: c.4018A>G on transcript NM_006231.4 (MANE Select); coding-DNA position 4018, A replaced by G.
Protein change: p.Ser1340Gly; replaces serine 1340 with glycine.
Molecular consequence: missense variant.
Genome position (GRCh38, 1-based): chr12:132,649,060, T>C on the plus strand (A>G on the coding strand, the complement: POLE is on the minus strand). VCF-style: chr12-132649060-T-C. GRCh37 (hg19) VCF-style: chr12-133225646-T-C.
Other names: short protein forms S1340G.
Identifiers: ClinVar variation 661502 (VCV000661502.17), dbSNP rs1248556901, ClinGen allele CA387384006.

ClinVar aggregate classification (germline): Uncertain significance. Review status: criteria provided, multiple submitters, no conflicts (2 of 4 stars). 4 submissions from 4 submitters: Uncertain significance (4). Last evaluated 2026-01-27.

Conditions:
Hereditary cancer-predisposing syndrome. Also called: Neoplastic Syndromes, Hereditary; Tumor predisposition; Hereditary neoplastic syndrome; Hereditary Cancer Syndrome. Identifiers: Orphanet 140162, MedGen C0027672, MeSH D009386, MONDO:0015356.

Allele frequency attached by ClinVar (database versions not stated): gnomAD exomes below 0.00001; gnomAD 0.00001; TOPMed 0.00001.
gnomAD v4.1: 3 of 1,611,996 alleles (0.00019%); highest among the groups gnomAD compares: Non-Finnish European, 0.00017%; no homozygotes.

Submissions (4):

Labcorp Genetics (formerly Invitae), Labcorp
Classification: Uncertain significance. Last evaluated: 2026-01-27. Review status: criteria provided, single submitter. Criteria: Invitae Variant Classification Sherloc (09022015). Collection method: clinical testing. Allele origin: germline.
Comment: This sequence change replaces serine, which is neutral and polar, with glycine, which is neutral and non-polar, at codon 1340 of the POLE protein (p.Ser1340Gly). This variant is present in population databases (no rsID available, gnomAD 0.007%). This variant has not been reported in the literature in individuals affected with POLE-related conditions. ClinVar contains an entry for this variant (Variation ID: 661502). Invitae Evidence Modeling of protein sequence and biophysical properties (such as structural, functional, and spatial information, amino acid conservation, physicochemical variation, residue mobility, and thermodynamic stability) indicates that this missense variant is not expected to disrupt POLE protein function with a negative predictive value of 80%. In summary, the available evidence is currently insufficient to determine the role of this variant in disease. Therefore, it has been classified as a Variant of Uncertain Significance.

Ambry Genetics
Classification: Uncertain significance for Hereditary cancer-predisposing syndrome. Last evaluated: 2025-09-19. Review status: criteria provided, single submitter. Criteria: Ambry Variant Classification Scheme 2023. Collection method: clinical testing. Allele origin: germline.
Comment: The p.S1340G variant (also known as c.4018A>G), located in coding exon 32 of the POLE gene, results from an A to G substitution at nucleotide position 4018. The serine at codon 1340 is replaced by glycine, an amino acid with similar properties. This amino acid position is conserved. In addition, this alteration is predicted to be tolerated by in silico analysis. Since supporting evidence is limited at this time, the clinical significance of this alteration remains unclear.

GeneDx
Classification: Uncertain significance. Last evaluated: 2021-05-05. Review status: criteria provided, single submitter. Criteria: GeneDx Variant Classification Process June 2021. Collection method: clinical testing. Allele origin: germline. Affected: yes.
Comment: Not observed at a significant frequency in large population cohorts (Lek et al., 2016); In silico analysis supports that this missense variant does not alter protein structure/function; Has not been previously published as pathogenic or benign to our knowledge

Women's Health and Genetics/Laboratory Corporation of America, LabCorp
Classification: Uncertain significance. Last evaluated: 2020-06-16. Review status: criteria provided, single submitter. Criteria: LabCorp Variant Classification Summary - May 2015. Collection method: clinical testing. Allele origin: germline.
Comment: Variant summary: POLE c.4018A>G (p.Ser1340Gly) results in a non-conservative amino acid change in the encoded protein sequence. Three of five in-silico tools predict a benign effect of the variant on protein function. The variant was absent in 248052 control chromosomes (gnomAD). The available data on variant occurrences in the general population are insufficient to allow any conclusion about variant significance. To our knowledge, no occurrence of c.4018A>G in individuals affected with Colorectal Cancer and no experimental evidence demonstrating its impact on protein function have been reported. A ClinVar submitter (evaluation after 2014) cites the variant as uncertain significance. Based on the evidence outlined above, the variant was classified as uncertain significance.